The following is an entry in ClinVar:

NM_001142800.2(EYS):c.9354dup (p.Gln3119fs)

Genes: EYS (EGF-like photoreceptor maintenance factor; minus strand), PHF3 (PHD finger protein 3; plus strand). Cytogenetic location: 6q12.
Variant type: Duplication.
Coding change: c.9354dup on transcript NM_001142800.2 (MANE Select); coding-DNA position 9354, one base duplicated (T; older notation c.9354dupT).
Protein change: p.Gln3119fs; shifts the reading frame from glutamine 3119.
Molecular consequence: frameshift variant. On other transcripts: 3 prime UTR variant (5).
Genome position (GRCh38, 1-based): chr6:63,720,677, A duplicated on the plus strand (T on the coding strand, the reverse complement: EYS is on the minus strand); the first of 6 consecutive A bases (chr6:63,720,677-63,720,682); duplicating any one gives the same sequence. VCF-style (leftmost placement, unchanged base first): chr6-63720676-G-GA. GRCh37 (hg19) VCF-style: chr6-64430572-G-GA.
Other names: c.9354dupT (NM_001142800.2, NM_001142800.1); c.*6974dup (NM_001290259.2, NM_001370348.2, NM_001370349.2 and 2 more transcripts); c.9417dup, p.Gln3140fs (NM_001292009.2); short protein forms Q3119fs, Q3140fs.
Identifiers: ClinVar variation 841729 (VCV000841729.17), dbSNP rs771640639, ClinGen allele CA3876670.
Genomic context (GRCh38, chr6:63,720,676, plus strand): 5'-CATCTCCATCATAAACATTGTATCCTTCTAATTTAATTAGTTCAATGTTTTTTGGTTCCT[G>GA]AAAAAATACAACATCTTTAATTTTGCCAACAAAATTGGTTTTAAAAATCTCTTGAGTAAC-3'

ClinVar aggregate classification (germline): Pathogenic/Likely pathogenic. Review status: criteria provided, multiple submitters, no conflicts (2 of 4 stars). 9 submissions from 9 submitters: Pathogenic (6); Likely pathogenic (3). Last evaluated 2025-09-15.

Conditions:
Retinitis pigmentosa 25 (RP25). Identifiers: Orphanet 791, MedGen C1864446, MONDO:0011272, OMIM 602772.
EYS-related disorder. Also called: EYS-related condition.
Retinitis pigmentosa (RP). Identifiers: Orphanet 791, MedGen C0035334, MeSH D012174, MONDO:0019200, OMIM 268000. Inheritance: Autosomal dominant, autosomal recessive and X linked inheritance.

Submissions (9):

Labcorp Genetics (formerly Invitae), Labcorp
Classification: Pathogenic. Last evaluated: 2025-09-15. Review status: criteria provided, single submitter. Criteria: Invitae Variant Classification Sherloc (09022015). Collection method: clinical testing. Allele origin: germline.
Comment: This sequence change creates a premature translational stop signal (p.Gln3119Serfs*7) in the EYS gene. While this is not anticipated to result in nonsense mediated decay, it is expected to disrupt the last 26 amino acid(s) of the EYS protein. This variant is present in population databases (rs771640639, gnomAD 0.02%). This variant has not been reported in the literature in individuals affected with EYS-related conditions. ClinVar contains an entry for this variant (Variation ID: 841729). This variant disrupts a region of the EYS protein in which other variant(s) (p.Tyr3135*) have been determined to be pathogenic (PMID: 18976725, 30337596). This suggests that this is a clinically significant region of the protein, and that variants that disrupt it are likely to be disease-causing. For these reasons, this variant has been classified as Pathogenic.

Natera, Inc.
Classification: Likely pathogenic for Retinitis pigmentosa type 25. Last evaluated: 2025-08-19. Review status: criteria provided, single submitter. Criteria: Natera Variant Classification Schema (03/2026). Collection method: clinical testing. Allele origin: germline.
Comment: The c.9354dupT variant in EYS is a frameshift variant predicted to shift the reading frame beginning at codon 3119 and leads to a stop codon 7 codons downstream. This variant is expected to result in nonsense mediated decay, truncation, or a dysfunctional protein product. This variant is rare in the general population with a frequency below the threshold expected for the associated phenotype(s). This variant has been observed in one or more individuals affected with the associated recessive disease, as either homozygous or compound heterozygous with a second variant (PMID: 38219857). Additionally, this variant has been observed to segregate in affected family members (PMID: 38219857). Given the available evidence, this variant is classified as Likely Pathogenic.

Women's Health and Genetics/Laboratory Corporation of America, LabCorp
Classification: Pathogenic for Retinitis pigmentosa. Last evaluated: 2025-05-23. Review status: criteria provided, single submitter. Criteria: LabCorp Variant Classification Summary - May 2015. Collection method: clinical testing. Allele origin: germline.
Comment: Variant summary: EYS c.9354dupT (p.Gln3119SerfsX7) results in a premature termination codon, predicted to cause a truncation of the encoded protein or absence of the protein due to nonsense mediated decay, which are commonly known mechanisms for disease. The variant allele was found at a frequency of 4e-05 in 148794 control chromosomes. c.9354dupT has been observed as a compound heterozygous or homozygous genotype in individuals affected with Retinitis Pigmentosa (Zampaglione_2020, Lin_2024). These data indicate that the variant is very likely to be associated with disease. To our knowledge, no experimental evidence demonstrating an impact on protein function has been reported. The following publications have been ascertained in the context of this evaluation (PMID: 38219857, 32037395). ClinVar contains an entry for this variant (Variation ID: 841729). Based on the evidence outlined above, the variant was classified as pathogenic.

PreventionGenetics, part of Exact Sciences
Classification: Pathogenic for EYS-related condition. Last evaluated: 2025-03-13. Review status: criteria provided, single submitter. Criteria: ACMG Guidelines, 2015. Collection method: clinical testing. Allele origin: germline.
Comment: The EYS c.9354dupT variant is predicted to result in a frameshift and premature protein termination (p.Gln3119Serfs*7). This variant has been reported in the homozygous and compound heterozygous states in individuals with retinal disease (Table S2, Zampaglione et al. 2020. PubMed ID: 32037395; Table S1, Lin et al. 2024. PubMed ID: 38219857). This variant is present in 0.024% of alleles in individuals of South Asian descent in gnomAD. Frameshift variants in EYS are an established mechanism of disease. This variant is interpreted as pathogenic.

Fulgent Genetics
Classification: Likely pathogenic for Retinitis pigmentosa 25. Last evaluated: 2024-03-06. Review status: criteria provided, single submitter. Criteria: ACMG Guidelines, 2015. Collection method: clinical testing. Allele origin: germline.

Baylor Genetics
Classification: Pathogenic for Retinitis pigmentosa 25. Last evaluated: 2024-02-14. Review status: criteria provided, single submitter. Criteria: ACMG Guidelines, 2015. Collection method: clinical testing. Allele origin: unknown.

3billion
Classification: Likely pathogenic for Retinitis pigmentosa 25. Last evaluated: 2023-07-26. Review status: criteria provided, single submitter. Criteria: ACMG Guidelines, 2015. Collection method: clinical testing. Allele origin: germline. Affected: yes.
Comment: The variant is observed at an extremely low frequency in the gnomAD v2.1.1 dataset (total allele frequency: 0.004%). Predicted Consequence/Location: Frameshift: predicted to result in a loss or disruption of normal protein function through protein truncation. Multiple pathogenic variants are reported in the predicted truncated region. The variant has been reported at least twice as pathogenic without evidence for the classification (ClinVar ID: VCV000841729 /PMID: 32037395). Therefore, this variant is classified as Likely pathogenic according to the recommendation of ACMG/AMP guideline.

Mendelics
Classification: Pathogenic for Retinitis pigmentosa 25. Last evaluated: 2022-05-04. Review status: criteria provided, single submitter. Criteria: Mendelics Assertion Criteria 2019. Collection method: clinical testing. Allele origin: germline.

Blueprint Genetics
Classification: Pathogenic for EYS-related disorders. Last evaluated: 2021-06-09. Review status: criteria provided, single submitter. Criteria: ACMG Guidelines, 2015. Collection method: clinical testing. Allele origin: germline. Affected: yes. Observed: 5 variant alleles.

Literature cited by the submitters: PubMed 18976725 (cited by Labcorp Genetics (formerly Invitae), Labcorp); PubMed 30337596 (cited by Labcorp Genetics (formerly Invitae), Labcorp); PubMed 38219857 (cited by Natera, Inc. and Women's Health and Genetics/Laboratory Corporation of America, LabCorp); PubMed 32037395 (cited by Women's Health and Genetics/Laboratory Corporation of America, LabCorp and 3billion).